The following is an entry in ClinVar:

NM_199355.4(ADAMTS18):c.90+3A>G

Gene: ADAMTS18 (ADAM metallopeptidase with thrombospondin type 1 motif 18; minus strand). Cytogenetic location: 16q23.1.
Variant type: single nucleotide variant.
Coding change: c.90+3A>G on transcript NM_199355.4 (MANE Select); 3 bases into the intron after coding-DNA position 90, A replaced by G.
Molecular consequence: intron variant.
Genome position (GRCh38, 1-based): chr16:77,434,603, T>C on the plus strand (A>G on the coding strand, the complement: ADAMTS18 is on the minus strand). VCF-style: chr16-77434603-T-C. GRCh37 (hg19) VCF-style: chr16-77468500-T-C.
Other names: c.-431+3A>G (NM_001326358.2).
Identifiers: ClinVar variation 1999367 (VCV001999367.4), dbSNP rs2543885267, ClinGen allele CA2580092122.
Genomic context (GRCh38, chr16:77,434,603, plus strand): 5'-GGCGGGGCTGGCGTCGGGCGCCCCCTGCCACCCGCTCTCGGAGCTCCGCTCGGCGGCACC[T>C]GCCTTGGCCACGCGCCCCAGTCCCGCCAGGCCCCTCGGCGGGCCCGAACCCGCAGCCGGG-3'

ClinVar aggregate classification (germline): Uncertain significance (1 of 4 stars; one submission).

Submission:

Labcorp Genetics (formerly Invitae), Labcorp
Classification: Uncertain significance. Last evaluated: 2022-05-27. Review status: criteria provided, single submitter. Criteria: Invitae Variant Classification Sherloc (09022015). Collection method: clinical testing. Allele origin: germline.
Comment: In summary, the available evidence is currently insufficient to determine the role of this variant in disease. Therefore, it has been classified as a Variant of Uncertain Significance. Variants that disrupt the consensus splice site are a relatively common cause of aberrant splicing (PMID: 17576681, 9536098). Algorithms developed to predict the effect of sequence changes on RNA splicing suggest that this variant may disrupt the consensus splice site. This variant has not been reported in the literature in individuals affected with ADAMTS18-related conditions. This variant is not present in population databases (gnomAD no frequency). This sequence change falls in intron 1 of the ADAMTS18 gene. It does not directly change the encoded amino acid sequence of the ADAMTS18 protein. It affects a nucleotide within the consensus splice site.

Literature cited by the submitters: PubMed 17576681; PubMed 9536098.